The following is an entry in ClinVar:

NM_003072.5(SMARCA4):c.220A>G (p.Lys74Glu)

Gene: SMARCA4 (SWI/SNF related BAF chromatin remodeling complex subunit ATPase 4; plus strand). Cytogenetic location: 19p13.2.
Variant type: single nucleotide variant.
Coding change: c.220A>G on transcript NM_003072.5 (MANE Select); coding-DNA position 220, A replaced by G.
Protein change: p.Lys74Glu; replaces lysine 74 with glutamic acid.
Molecular consequence: missense variant. On other transcripts: non-coding transcript variant (1).
Genome position (GRCh38, 1-based): chr19:10,984,371, A>G. VCF-style: chr19-10984371-A-G. GRCh37 (hg19) VCF-style: chr19-11095047-A-G.
Other names: c.220A>G, p.Lys74Glu (NM_001411150.1, NM_001128844.3, NM_001128845.2 and 6 more transcripts); short protein forms K74E.
Identifiers: ClinVar variation 3445976 (VCV003445976.1).

ClinVar aggregate classification (germline): Uncertain significance (1 of 4 stars; one submission).

Conditions:
Hereditary cancer-predisposing syndrome. Also called: Tumor predisposition; Neoplastic Syndromes, Hereditary; Hereditary neoplastic syndrome; Hereditary Cancer Syndrome. Identifiers: Orphanet 140162, MedGen C0027672, MeSH D009386, MONDO:0015356.

Submission:

Ambry Genetics
Classification: Uncertain significance for Hereditary cancer-predisposing syndrome. Last evaluated: 2024-08-22. Review status: criteria provided, single submitter. Criteria: Ambry Variant Classification Scheme 2023. Collection method: clinical testing. Allele origin: germline.
Comment: The p.K74E variant (also known as c.220A>G), located in coding exon 1 of the SMARCA4 gene, results from an A to G substitution at nucleotide position 220. The lysine at codon 74 is replaced by glutamic acid, an amino acid with similar properties. This amino acid position is highly conserved in available vertebrate species. In addition, this alteration is predicted to be deleterious by in silico analysis. Based on the available evidence, the clinical significance of this variant remains unclear.